The following is an entry in ClinVar:

NM_014874.4(MFN2):c.392A>G (p.Asn131Ser)

Gene: MFN2 (mitofusin 2; plus strand). Cytogenetic location: 1p36.22.
Variant type: single nucleotide variant.
Coding change: c.392A>G on transcript NM_014874.4 (MANE Select); coding-DNA position 392, A replaced by G.
Protein change: p.Asn131Ser; replaces asparagine 131 with serine.
Molecular consequence: missense variant.
Genome position (GRCh38, 1-based): chr1:11,996,236, A>G. VCF-style: chr1-11996236-A-G. GRCh37 (hg19) VCF-style: chr1-12056293-A-G.
Other names: c.392A>G, p.Asn131Ser (NM_001127660.2); short protein forms N131S.
Identifiers: ClinVar variation 369728 (VCV000369728.18), dbSNP rs776404901, ClinGen allele CA598814.

ClinVar aggregate classification (germline): Conflicting classifications of pathogenicity. Review status: criteria provided, conflicting classifications (1 of 4 stars). 4 submissions from 4 submitters: Likely pathogenic (2); Uncertain significance (1). 1 of the submissions does not count toward it. Last evaluated 2025-05-18.

Conditions:
Charcot-Marie-Tooth disease type 2. Also called: Charcot-Marie-Tooth type 2. Identifiers: Orphanet 64746, MedGen C0270914, MONDO:0018993.
Charcot-Marie-Tooth disease. Also called: Charcot-Marie-Tooth Neuropathy; Charcot-Marie-Tooth Hereditary Neuropathy. Identifiers: Orphanet 166, MedGen C0007959, MONDO:0015626.

Allele frequency attached by ClinVar (database versions not stated): gnomAD exomes below 0.00001; ExAC 0.00001.
gnomAD v4.1: 3 of 1,614,186 alleles (0.00019%); highest among the groups gnomAD compares: Admixed American, 0.0017%; no homozygotes.

Submissions (4):

GeneDx
Classification: Likely pathogenic. Last evaluated: 2025-05-18. Review status: criteria provided, single submitter. Criteria: GeneDx Variant Classification Process June 2021. Collection method: clinical testing. Allele origin: germline. Affected: yes.
Comment: In silico analysis supports that this missense variant has a deleterious effect on protein structure/function; Not observed at significant frequency in large population cohorts (gnomAD); This variant is associated with the following publications: (PMID: 21892769, 33179255, 33415332, 36692866, 24863639, 26955893)

Labcorp Genetics (formerly Invitae), Labcorp
Classification: Likely pathogenic for Charcot-Marie-Tooth disease type 2. Last evaluated: 2024-03-06. Review status: criteria provided, single submitter. Criteria: Invitae Variant Classification Sherloc (09022015). Collection method: clinical testing. Allele origin: germline.
Comment: This sequence change replaces asparagine, which is neutral and polar, with serine, which is neutral and polar, at codon 131 of the MFN2 protein (p.Asn131Ser). This variant is present in population databases (rs776404901, gnomAD 0.003%). This missense change has been observed in individual(s) with Charcot-Marie-Tooth disease (PMID: 21892769, 26955893). In at least one individual the data is consistent with being in trans (on the opposite chromosome) from a pathogenic variant. It has also been observed to segregate with disease in related individuals. ClinVar contains an entry for this variant (Variation ID: 369728). Advanced modeling of protein sequence and biophysical properties (such as structural, functional, and spatial information, amino acid conservation, physicochemical variation, residue mobility, and thermodynamic stability) has been performed at Invitae for this missense variant, however the output from this modeling did not meet the statistical confidence thresholds required to predict the impact of this variant on MFN2 protein function. Experimental studies are conflicting or provide insufficient evidence to determine the effect of this variant on MFN2 function (PMID: 31664033). In summary, the currently available evidence indicates that the variant is pathogenic, but additional data are needed to prove that conclusively. Therefore, this variant has been classified as Likely Pathogenic.

Eurofins Ntd Llc (ga)
Classification: Uncertain significance. Last evaluated: 2015-09-25. Review status: criteria provided, single submitter. Criteria: EGL Classification Definitions 2015. Collection method: clinical testing. Allele origin: germline. Observed: 3 variant alleles, 2 heterozygotes, 1 homozygote.

Inherited Neuropathy Consortium
Classification: Uncertain significance for Charcot-Marie-Tooth disease. Review status: flagged submission. Collection method: literature only. Allele origin: germline. Affected: yes. Not counted in ClinVar's aggregate classification.
ClinVar note: Reason: Claim with insufficient supporting evidence

Literature cited by the submitters: PubMed 21892769 (cited by 3 submitters); PubMed 26955893 (cited by Labcorp Genetics (formerly Invitae), Labcorp); PubMed 31664033 (cited by Labcorp Genetics (formerly Invitae), Labcorp).